The following is an entry in ClinVar:

Conditions:
Breast-ovarian cancer, familial, susceptibility to, 1 (BROVCA1). Also called: BRCA1 Hereditary Breast and Ovarian Cancer; OVARIAN CANCER, SUSCEPTIBILITY TO. Identifiers: Orphanet 145, MedGen C2676676, MONDO:0011450, OMIM 604370. Disease mechanism: loss of function.

Submission:

Brotman Baty Institute, University of Washington
No classification provided (evidence only). Condition: Breast-ovarian cancer, familial 1. Review status: no classification provided. Collection method: in vitro. Allele origin: not applicable. Functional consequence: functionally_abnormal.
ClinVar note: "not provided" was previously submitted as the classification for the variant. However, the classification appeared to be based only on an observation of functional data so it was converted to no classification on 2025-07-30.

NM_007294.4(BRCA1):c.5515T>G (p.Leu1839Val)

Gene: BRCA1 (BRCA1 DNA repair associated; minus strand). Cytogenetic location: 17q21.31.
Variant type: single nucleotide variant.
Coding change: c.5515T>G on transcript NM_007294.4 (MANE Select); coding-DNA position 5515, T replaced by G.
Protein change: p.Leu1839Val; replaces leucine 1839 with valine.
Molecular consequence: missense variant. On other transcripts: 3 prime UTR variant (1), non-coding transcript variant (1).
Genome position (GRCh38, 1-based): chr17:43,045,755, A>C on the plus strand (T>G on the coding strand, the complement: BRCA1 is on the minus strand). VCF-style: chr17-43045755-A-C. GRCh37 (hg19) VCF-style: chr17-41197772-A-C.
Other names: c.2077T>G, p.Leu693Val (NM_001408448.1, NM_001408450.1, NM_001408445.1 and 2 more transcripts); c.2071T>G, p.Leu691Val (NM_001408451.1); c.2065T>G, p.Leu689Val (NM_001408452.1, NM_001408453.1, NM_001408454.1 and 3 more transcripts); c.2062T>G, p.Leu688Val (NM_001408458.1, NM_001408459.1, NM_001408460.1 and 7 more transcripts); c.5509T>G, p.Leu1837Val (NM_001407627.1, NM_001407628.1, NM_001407629.1 and 13 more transcripts); c.5500T>G, p.Leu1834Val (NM_001407647.1); c.5458T>G, p.Leu1820Val (NM_001407648.1); c.5455T>G, p.Leu1819Val (NM_001407649.1); and 74 more; short protein forms L1839V, L1792V, L1860V, L735V, L1543V, L1728V, L1749V, L1750V.
Identifiers: ClinVar variation 867616 (VCV000867616.3), dbSNP rs2050875474, ClinGen allele CA10590290.